The following is an entry in ClinVar:

NM_001267550.2(TTN):c.62779C>T (p.Arg20927Cys)

Genes: TTN-AS1 (TTN antisense RNA 1; plus strand), TTN (titin; minus strand). Cytogenetic location: 2q31.2.
Variant type: single nucleotide variant.
Coding change: c.62779C>T on transcript NM_001267550.2 (MANE Select); coding-DNA position 62779, C replaced by T.
Protein change: p.Arg20927Cys; replaces arginine 20927 with cysteine.
Molecular consequence: missense variant.
Genome position (GRCh38, 1-based): chr2:178,588,946, G>A on the plus strand (C>T on the coding strand, the complement: TTN is on the minus strand). VCF-style: chr2-178588946-G-A. GRCh37 (hg19) VCF-style: chr2-179453673-G-A.
Other names: c.57856C>T, p.Arg19286Cys (NM_001256850.1); c.35584C>T, p.Arg11862Cys (NM_003319.4); c.55075C>T, p.Arg18359Cys (NM_133378.4); c.35959C>T, p.Arg11987Cys (NM_133432.3); c.36160C>T, p.Arg12054Cys (NM_133437.4); c.62779C>T (NM_001267550.1); short protein forms R20927C, R11987C, R11862C, R12054C, R18359C, R19286C.
Identifiers: ClinVar variation 467354 (VCV000467354.4), dbSNP rs547604540, ClinGen allele CA1992184.

ClinVar aggregate classification (germline): Uncertain significance. Review status: criteria provided, multiple submitters, no conflicts (2 of 4 stars). 2 submissions from 2 submitters: Uncertain significance (2). Last evaluated 2023-06-29.

Conditions:
Autosomal recessive limb-girdle muscular dystrophy type 2J (LGMDR10). Also called: Limb-girdle muscular dystrophy, type 2J; MUSCULAR DYSTROPHY, LIMB-GIRDLE, AUTOSOMAL RECESSIVE 10. Identifiers: Orphanet 140922, MedGen C1837342, MONDO:0012127, OMIM 608807.
Dilated cardiomyopathy 1G (CMD1G). Identifiers: Orphanet 154, MedGen C1858763, MONDO:0011400, OMIM 604145.

Allele frequency attached by ClinVar (database versions not stated): ExAC 0.00001; gnomAD 0.00001; gnomAD exomes 0.00001 and 0.00002; TOPMed 0.00001.
gnomAD v4.1: 29 of 1,612,554 alleles (0.0018%); highest among the groups gnomAD compares: Non-Finnish European, 0.0024%; no homozygotes.

Submissions (2):

GeneDx
Classification: Uncertain significance. Last evaluated: 2023-06-29. Review status: criteria provided, single submitter. Criteria: GeneDx Variant Classification Process June 2021. Collection method: clinical testing. Allele origin: germline. Affected: yes.
Comment: Not observed at significant frequency in large population cohorts (gnomAD); Missense variant in a gene in which most reported pathogenic variants are truncating/loss of function; Has not been previously published as pathogenic or benign to our knowledge

Labcorp Genetics (formerly Invitae), Labcorp
Classification: Uncertain significance for Dilated cardiomyopathy 1G; Autosomal recessive limb-girdle muscular dystrophy type 2J. Last evaluated: 2017-07-17. Review status: criteria provided, single submitter. Criteria: Invitae Variant Classification Sherloc (09022015). Collection method: clinical testing. Allele origin: germline.